The following is an entry in ClinVar:

NM_002476.2(MYL4):c.427G>A (p.Asp143Asn)

Gene: MYL4 (myosin light chain 4; plus strand). Cytogenetic location: 17q21.32.
Variant type: single nucleotide variant.
Coding change: c.427G>A on transcript NM_002476.2 (MANE Select); coding-DNA position 427, G replaced by A.
Protein change: p.Asp143Asn; replaces aspartic acid 143 with asparagine.
Molecular consequence: missense variant.
Genome position (GRCh38, 1-based): chr17:47,221,795, G>A. VCF-style: chr17-47221795-G-A. GRCh37 (hg19) VCF-style: chr17-45299161-G-A.
Other names: c.427G>A, p.Asp143Asn (NM_001002841.2); short protein forms D143N.
Identifiers: ClinVar variation 4773742 (VCV004773742.1).

ClinVar aggregate classification (germline): Uncertain significance (1 of 4 stars; one submission).

Conditions:
Atrial fibrillation, familial, 18 (ATFB18). Identifiers: MedGen C4310636, MONDO:0015001, OMIM 617280.

gnomAD v4.1: 1 of 1,614,130 alleles (0.000062%); highest among the groups gnomAD compares: Non-Finnish European, 0.000085%; no homozygotes.

Submission:

Labcorp Genetics (formerly Invitae), Labcorp
Classification: Uncertain significance for Atrial fibrillation, familial, 18. Last evaluated: 2025-07-03. Review status: criteria provided, single submitter. Criteria: Invitae Variant Classification Sherloc (09022015). Collection method: clinical testing. Allele origin: germline.
Comment: This sequence change replaces aspartic acid, which is acidic and polar, with asparagine, which is neutral and polar, at codon 143 of the MYL4 protein (p.Asp143Asn). This variant is not present in population databases (gnomAD no frequency). This variant has not been reported in the literature in individuals affected with MYL4-related conditions. An algorithm developed to predict the effect of missense changes on protein structure and function (PolyPhen-2) suggests that this variant is likely to be disruptive. In summary, the available evidence is currently insufficient to determine the role of this variant in disease. Therefore, it has been classified as a Variant of Uncertain Significance.